The following is an entry in ClinVar:

ClinVar aggregate classification (germline): Uncertain significance (1 of 4 stars; one submission).

gnomAD v4.1: 14 of 1,611,994 alleles (0.00087%); highest among the groups gnomAD compares: Non-Finnish European, 0.001%; no homozygotes.

Submission:

Labcorp Genetics (formerly Invitae), Labcorp
Classification: Uncertain significance. Last evaluated: 2024-09-22. Review status: criteria provided, single submitter. Criteria: Invitae Variant Classification Sherloc (09022015). Collection method: clinical testing. Allele origin: germline.
Comment: This sequence change replaces glutamic acid, which is acidic and polar, with lysine, which is basic and polar, at codon 275 of the VAV1 protein (p.Glu275Lys). This variant is present in population databases (no rsID available, gnomAD 0.0009%). This variant has not been reported in the literature in individuals affected with VAV1-related conditions. An algorithm developed to predict the effect of missense changes on protein structure and function (PolyPhen-2) suggests that this variant is likely to be disruptive. In summary, the available evidence is currently insufficient to determine the role of this variant in disease. Therefore, it has been classified as a Variant of Uncertain Significance.

NM_005428.4(VAV1):c.823G>A (p.Glu275Lys)

Gene: VAV1 (vav guanine nucleotide exchange factor 1; plus strand). Cytogenetic location: 19p13.3.
Variant type: single nucleotide variant.
Coding change: c.823G>A on transcript NM_005428.4 (MANE Select); coding-DNA position 823, G replaced by A.
Protein change: p.Glu275Lys; replaces glutamic acid 275 with lysine.
Molecular consequence: missense variant.
Genome position (GRCh38, 1-based): chr19:6,825,402, G>A. VCF-style: chr19-6825402-G-A. GRCh37 (hg19) VCF-style: chr19-6825413-G-A.
Other names: c.823G>A, p.Glu275Lys (NM_001258206.2); c.727G>A, p.Glu243Lys (NM_001258207.2); short protein forms E243K, E275K.
Identifiers: ClinVar variation 3609009 (VCV003609009.2).